The following is an entry in ClinVar:

NM_001283009.2(RTEL1):c.94C>T (p.Leu32=)

Genes: RTEL1-TNFRSF6B (RTEL1-TNFRSF6B readthrough (NMD candidate); plus strand), RTEL1 (regulator of telomere elongation helicase 1; plus strand). Cytogenetic location: 20q13.33.
Variant type: single nucleotide variant.
Coding change: c.94C>T on transcript NM_001283009.2 (MANE Select); coding-DNA position 94, C replaced by T.
Protein change: p.Leu32=; no amino-acid change (leucine 32 retained).
Molecular consequence: synonymous variant. On other transcripts: non-coding transcript variant (1), intron variant (1).
Genome position (GRCh38, 1-based): chr20:63,659,496, C>T. VCF-style: chr20-63659496-C-T. GRCh37 (hg19) VCF-style: chr20-62290849-C-T.
Other names: c.94C>T, p.Leu32= (NM_016434.4, NM_032957.5); c.-568+1037C>T (NM_001283010.1).
Identifiers: ClinVar variation 723295 (VCV000723295.14), dbSNP rs375849124, ClinGen allele CA9964085.

ClinVar aggregate classification (germline): Conflicting classifications of pathogenicity. Review status: criteria provided, conflicting classifications (1 of 4 stars). 3 submissions from 3 submitters: Uncertain significance (1); Likely benign (2). Last evaluated 2025-12-15.

Conditions:
Inborn genetic diseases. Identifiers: MedGen C0950123, MeSH D030342.
Dyskeratosis congenita, autosomal recessive 5 (DKCB5). Identifiers: MedGen C3554656, MONDO:0014076, OMIM 615190.
Pulmonary fibrosis and/or bone marrow failure, Telomere-related, 3. Also called: PULMONARY FIBROSIS AND/OR BONE MARROW FAILURE SYNDROME, TELOMERE-RELATED, 3. Identifiers: Orphanet 2032, MedGen C4225346, MONDO:0014613, OMIM 616373.
Dyskeratosis congenita. Identifiers: Orphanet 1775, MedGen C0265965, MONDO:0015780.

Allele frequency attached by ClinVar (database versions not stated): 1000 Genomes Project 30x 0.00016; TOPMed 0.00006; gnomAD 0.00007 and 0.00008; ESP Exome Variant Server 0.00008; gnomAD exomes 0.00009 and 0.00003; ExAC 0.00001.
gnomAD v4.1: 142 of 1,613,128 alleles (0.0088%); highest among the groups gnomAD compares: Non-Finnish European, 0.012%; no homozygotes.

Submissions (3):

Labcorp Genetics (formerly Invitae), Labcorp
Classification: Likely benign for Dyskeratosis congenita, autosomal recessive 5; Pulmonary fibrosis and/or bone marrow failure, Telomere-related, 3. Last evaluated: 2025-12-15. Review status: criteria provided, single submitter. Criteria: Invitae Variant Classification Sherloc (09022015). Collection method: clinical testing. Allele origin: germline.

Sema4
Classification: Uncertain significance for Dyskeratosis congenita. Last evaluated: 2021-04-07. Review status: criteria provided, single submitter. Criteria: Sema4 Curation Guidelines. Collection method: curation. Allele origin: germline.
Comment: The RTEL1 c.94C>T (p.L32=) variant has not been reported in the literature to our knowledge. This variant was observed in 11/128712 chromosomes in the Non-Finnish European population in the large and broad cohorts of the Genome Aggregation Database. The variant has been reported in Clinvar (Variation ID 723295). In silico tools suggest the impact of the variant on protein function to be inconclusive, although these predictions have not been confirmed by functional studies. The overall evidence is insufficient to meet ACMG/AMP criteria for classifying it as benign or pathogenic. Thus, the clinical significance of this variant is currently uncertain.

Ambry Genetics
Classification: Likely benign for Inborn genetic diseases. Last evaluated: 2020-06-20. Review status: criteria provided, single submitter. Criteria: Ambry Variant Classification Scheme 2023. Collection method: clinical testing. Allele origin: germline.